The following is an entry in ClinVar:

ClinVar aggregate classification (germline): Uncertain significance (1 of 4 stars; one submission).

Conditions:
Neonatal-onset encephalopathy with rigidity and seizures. Also called: Lethal neonatal spasticity-epileptic encephalopathy syndrome. Identifiers: Orphanet 435845, MedGen C3281029, MONDO:0013784, OMIM 614498.

Allele frequency attached by ClinVar (database versions not stated): gnomAD exomes below 0.00001.

Submission:

Labcorp Genetics (formerly Invitae), Labcorp
Classification: Uncertain significance for Neonatal-onset encephalopathy with rigidity and seizures. Last evaluated: 2022-07-20. Review status: criteria provided, single submitter. Criteria: Invitae Variant Classification Sherloc (09022015). Collection method: clinical testing. Allele origin: germline.
Comment: This sequence change falls in intron 4 of the BRAT1 gene. It does not directly change the encoded amino acid sequence of the BRAT1 protein. This variant is not present in population databases (gnomAD no frequency). This variant has not been reported in the literature in individuals affected with BRAT1-related conditions. ClinVar contains an entry for this variant (Variation ID: 961929). Algorithms developed to predict the effect of sequence changes on RNA splicing suggest that this variant may disrupt the consensus splice site. In summary, the available evidence is currently insufficient to determine the role of this variant in disease. Therefore, it has been classified as a Variant of Uncertain Significance.

NM_152743.4(BRAT1):c.431-7_431-6insGGGTAGGG

Gene: BRAT1 (BRCA1 associated ATM activator 1; minus strand). Cytogenetic location: 7p22.3.
Variant type: Insertion.
Coding change: c.431-7_431-6insGGGTAGGG on transcript NM_152743.4 (MANE Select); 7 bases into the intron before coding-DNA position 431 through 6 bases into the intron before coding-DNA position 431, GGGTAGGG inserted.
Molecular consequence: intron variant.
Genome position: GRCh38 VCF-style: chr7-2543968-T-TCCCTACCC. GRCh37 (hg19) VCF-style: chr7-2583602-T-TCCCTACCC.
Other names: c.-95-7_-95-6insGGGTAGGG (NM_001350627.2); c.431-7_431-6insGGGTAGGG (NM_001350626.2).
Identifiers: ClinVar variation 961929 (VCV000961929.7), dbSNP rs1779393467, ClinGen allele CA1139659959.
Genomic context (GRCh38, chr7:2,543,968, plus strand): 5'-GAGGCCACAAACAGGCTGGAGTCTCCCTGCAGGGAGAAGATGGTGTCGACCGCACCTGGG[T>TCCCTACCC]AGGGGATGGGGGAAGAGAGGGAAAAGGGGGTGAGCCAGAATAGAGCTGGGGGAGGCAGAG-3'